The following is an entry in ClinVar:

NM_019616.4(F7):c.152T>A (p.Leu51Gln)

Gene: F7 (coagulation factor VII; plus strand). Cytogenetic location: 13q34.
Variant type: single nucleotide variant.
Coding change: c.152T>A on transcript NM_019616.4 (MANE Select); coding-DNA position 152, T replaced by A.
Protein change: p.Leu51Gln; replaces leucine 51 with glutamine.
Molecular consequence: missense variant. On other transcripts: non-coding transcript variant (1), intron variant (1).
Genome position (GRCh38, 1-based): chr13:113,110,777, T>A. VCF-style: chr13-113110777-T-A. GRCh37 (hg19) VCF-style: chr13-113765091-T-A.
Other names: c.218T>A, p.Leu73Gln (NM_000131.5); c.65-3070T>A (NM_001267554.2); short protein forms L51Q, L73Q.
Identifiers: ClinVar variation 627276 (VCV000627276.4), dbSNP rs45572939, ClinGen allele CA256454525.

ClinVar aggregate classification (germline): Conflicting classifications of pathogenicity. Review status: criteria provided, conflicting classifications (1 of 4 stars). 3 submissions from 3 submitters: Likely pathogenic (2); Uncertain significance (1). Last evaluated 2025-02-16.

Conditions:
Factor VII deficiency. Also called: Factor 7 deficiency; F7 DEFICIENCY; HYPOPROCONVERTINEMIA. Identifiers: MedGen C0015503, MeSH D005168, MONDO:0002244.

Allele frequency attached by ClinVar (database versions not stated): TOPMed below 0.00001; gnomAD exomes 0.00001.

Submissions (3):

Laboratory of Genetics, Children's Clinical University Hospital Latvia
Classification: Likely pathogenic. Last evaluated: 2025-02-16. Review status: criteria provided, single submitter. Criteria: ACMG Guidelines, 2015. Collection method: clinical testing. Allele origin: germline. Affected: yes.

GeneDx
Classification: Uncertain significance. Last evaluated: 2024-02-24. Review status: criteria provided, single submitter. Criteria: GeneDx Variant Classification Process June 2021. Collection method: clinical testing. Allele origin: germline. Affected: yes.
Comment: Not observed at significant frequency in large population cohorts (gnomAD); In silico analysis supports that this missense variant has a deleterious effect on protein structure/function; Also known as L13Q; This variant is associated with the following publications: (PMID: 11129332, 37761907, 31064749)

NIHR Bioresource Rare Diseases, University of Cambridge
Classification: Likely pathogenic for Congenital factor VII deficiency. Last evaluated: 2019-02-01. Review status: criteria provided, single submitter. Criteria: ACMG Guidelines, 2015. Collection method: research. Allele origin: unknown. Affected: yes. Observed: 1 compound heterozygote. Study: ThromboGenomics.

Literature cited by the submitters: PubMed 31064749 (cited by NIHR Bioresource Rare Diseases, University of Cambridge).